The following is an entry in ClinVar:

NM_000238.4(KCNH2):c.116G>A (p.Cys39Tyr)

Gene: KCNH2 (potassium voltage-gated channel subfamily H member 2; minus strand). Cytogenetic location: 7q36.1.
Variant type: single nucleotide variant.
Coding change: c.116G>A on transcript NM_000238.4 (MANE Select); coding-DNA position 116, G replaced by A.
Protein change: p.Cys39Tyr; replaces cysteine 39 with tyrosine.
Molecular consequence: missense variant. On other transcripts: 5 prime UTR variant (1), non-coding transcript variant (1).
Genome position (GRCh38, 1-based): chr7:150,974,902, C>T on the plus strand (G>A on the coding strand, the complement: KCNH2 is on the minus strand). VCF-style: chr7-150974902-C-T. GRCh37 (hg19) VCF-style: chr7-150671990-C-T.
Other names: c.-62G>A (NM_001406755.1); c.116G>A, p.Cys39Tyr (NM_172056.3); short protein forms C39Y.
Identifiers: ClinVar variation 2892796 (VCV002892796.3), dbSNP rs2486157018, ClinGen allele CA369865909.

ClinVar aggregate classification (germline): Uncertain significance (1 of 4 stars; one submission).

Conditions:
Long QT syndrome (LQTS). Identifiers: MedGen C0023976, MeSH D008133, MONDO:0002442. Disease mechanism: loss of function. Inheritance: Various modes of inheritance.

Submission:

Labcorp Genetics (formerly Invitae), Labcorp
Classification: Uncertain significance for Long QT syndrome. Last evaluated: 2023-02-16. Review status: criteria provided, single submitter. Criteria: Invitae Variant Classification Sherloc (09022015). Collection method: clinical testing. Allele origin: germline.
Comment: In summary, the available evidence is currently insufficient to determine the role of this variant in disease. Therefore, it has been classified as a Variant of Uncertain Significance. An algorithm developed to predict the effect of missense changes on protein structure and function (PolyPhen-2) suggests that this variant is likely to be disruptive. This variant has not been reported in the literature in individuals affected with KCNH2-related conditions. This variant is not present in population databases (gnomAD no frequency). This sequence change replaces cysteine, which is neutral and slightly polar, with tyrosine, which is neutral and polar, at codon 39 of the KCNH2 protein (p.Cys39Tyr).